The following is an entry in ClinVar:

NM_022124.6(CDH23):c.8257G>A (p.Ala2753Thr)

Gene: CDH23 (cadherin related 23; plus strand). Cytogenetic location: 10q22.1.
Variant type: single nucleotide variant.
Coding change: c.8257G>A on transcript NM_022124.6 (MANE Select); coding-DNA position 8257, G replaced by A.
Protein change: p.Ala2753Thr; replaces alanine 2753 with threonine.
Molecular consequence: missense variant.
Genome position (GRCh38, 1-based): chr10:71,807,355, G>A. VCF-style: chr10-71807355-G-A. GRCh37 (hg19) VCF-style: chr10-73567112-G-A.
Other names: c.1537G>A, p.Ala513Thr (NM_001171933.1, NM_001171934.1); short protein forms A2753T, A513T.
Identifiers: ClinVar variation 46046 (VCV000046046.10), dbSNP rs397517356, ClinGen allele CA137592.

ClinVar aggregate classification (germline): Uncertain significance. Review status: criteria provided, multiple submitters, no conflicts (2 of 4 stars). 5 submissions from 5 submitters: Uncertain significance (4). 1 of the submissions does not count toward it. Last evaluated 2025-12-18.

Conditions:
CDH23-related disorder. Also called: CDH23-related disorders; CDH23-related condition.
Usher syndrome type 1 (USH1). Also called: RETINITIS PIGMENTOSA AND CONGENITAL DEAFNESS. Identifiers: Orphanet 231169, Orphanet 886, MedGen C1568247, MONDO:0010168, OMIM 276900.

Allele frequency attached by ClinVar (database versions not stated): gnomAD 0.00001; TOPMed 0.00002; ExAC 0.00003; gnomAD exomes 0.00004.
gnomAD v4.1: 31 of 1,613,756 alleles (0.0019%); highest among the groups gnomAD compares: South Asian, 0.012%; no homozygotes.

Submissions (5):

PreventionGenetics, part of Exact Sciences
Classification: Uncertain significance for CDH23-related condition. Last evaluated: 2025-12-18. Review status: criteria provided, single submitter. Criteria: ACMG Guidelines, 2015. Collection method: clinical testing. Allele origin: germline.
Comment: The CDH23 c.8257G>A variant is predicted to result in the amino acid substitution p.Ala2753Thr. This variant has been reported in the compound heterozygous state with p.L2544V in an individual with deafness (Yang et al. 2013. PubMed ID: 23767834). In a family with autosomal-dominant non-syndromic hearing loss (ADNSHL), this variant has been reported in cis (on the same allele) with p.L2544V in both affected and unaffected family members. The affected family members were found to have a CNV event in EYA, which was likely the causative variant (Zhang et al. 2022. PubMed ID: 35578334). This variant is reported in 0.023% of alleles in individuals of South Asian descent in gnomAD. At this time, the clinical significance of this variant is uncertain due to the absence of conclusive functional and genetic evidence.

Blueprint Genetics
Classification: Uncertain significance. Last evaluated: 2024-09-23. Review status: criteria provided, single submitter. Criteria: ACMG Guidelines, 2015. Collection method: clinical testing. Allele origin: germline.

Labcorp Genetics (formerly Invitae), Labcorp
Classification: Uncertain significance. Last evaluated: 2022-03-04. Review status: criteria provided, single submitter. Criteria: Invitae Variant Classification Sherloc (09022015). Collection method: clinical testing. Allele origin: germline.
Comment: This sequence change replaces alanine, which is neutral and non-polar, with threonine, which is neutral and polar, at codon 2753 of the CDH23 protein (p.Ala2753Thr). This variant is present in population databases (rs397517356, gnomAD 0.02%). This missense change has been observed in individual(s) with deafness (PMID: 23767834). ClinVar contains an entry for this variant (Variation ID: 46046). Algorithms developed to predict the effect of missense changes on protein structure and function are either unavailable or do not agree on the potential impact of this missense change (SIFT: "Deleterious"; PolyPhen-2: "Not Available"; Align-GVGD: "Class C0"). In summary, the available evidence is currently insufficient to determine the role of this variant in disease. Therefore, it has been classified as a Variant of Uncertain Significance.

Laboratory for Molecular Medicine, Mass General Brigham Personalized Medicine
Classification: Uncertain significance. Last evaluated: 2012-04-10. Review status: criteria provided, single submitter. Criteria: LMM Criteria. Collection method: clinical testing. Allele origin: germline. Observed: 1 variant allele.
Comment: The Ala2753Thr variant in CDH23 has not been reported in the literature nor prev iously identified by our laboratory. Computational analyses (biochemical amino a cid properties, conservation, AlignGVGD, PolyPhen2, and SIFT) do not provide str ong support for or against an impact to the protein. In summary, the clinical si gnificance of this variant cannot be determined with certainty.

Natera, Inc.
Classification: Uncertain significance for Usher syndrome type 1. Last evaluated: 2020-09-16. Review status: no assertion criteria provided. Collection method: clinical testing. Allele origin: germline. Not counted in ClinVar's aggregate classification.

Literature cited by the submitters: PubMed 23767834 (cited by Labcorp Genetics (formerly Invitae), Labcorp).